The following is an entry in ClinVar:

ClinVar aggregate classification (germline): Uncertain significance (1 of 4 stars; one submission).

Conditions:
Developmental and epileptic encephalopathy, 37 (DEE37). Also called: Epileptic encephalopathy, early infantile, 37. Identifiers: MedGen C4310770, MONDO:0014859, OMIM 616981.

Submission:

Labcorp Genetics (formerly Invitae), Labcorp
Classification: Uncertain significance for Developmental and epileptic encephalopathy, 37. Last evaluated: 2022-10-25. Review status: criteria provided, single submitter. Criteria: Invitae Variant Classification Sherloc (09022015). Collection method: clinical testing. Allele origin: germline.
Comment: This variant has not been reported in the literature in individuals affected with FRRS1L-related conditions. ClinVar contains an entry for this variant (Variation ID: 638945). Algorithms developed to predict the effect of missense changes on protein structure and function are either unavailable or do not agree on the potential impact of this missense change (SIFT: "Deleterious"; PolyPhen-2: "Not Available"; Align-GVGD: "Class C0"). In summary, the available evidence is currently insufficient to determine the role of this variant in disease. Therefore, it has been classified as a Variant of Uncertain Significance. This variant is not present in population databases (gnomAD no frequency). This sequence change replaces arginine, which is basic and polar, with leucine, which is neutral and non-polar, at codon 20 of the FRRS1L protein (p.Arg20Leu).

NM_014334.4(FRRS1L):c.-95G>T

Gene: FRRS1L (ferric chelate reductase 1 like; minus strand). Cytogenetic location: 9q31.3.
Variant type: single nucleotide variant.
Coding change: c.-95G>T on transcript NM_014334.4 (MANE Select); 95 bases upstream of the start codon, G replaced by T.
Molecular consequence: 5 prime UTR variant.
Genome position (GRCh38, 1-based): chr9:109,167,233, C>A on the plus strand (G>T on the coding strand, the complement: FRRS1L is on the minus strand). VCF-style: chr9-109167233-C-A. GRCh37 (hg19) VCF-style: chr9-111929513-C-A.
Identifiers: ClinVar variation 638945 (VCV000638945.9), dbSNP rs988175381, ClinGen allele CA374431048.
Genomic context (GRCh38, chr9:109,167,233, plus strand): 5'-GCCGCAGCGGGGGCGCCGCGGGCGCGGGCCGGGACTGAGCCTCCGCCGAGGCCACCAGCA[C>A]GCGCCCGCGCAGCCGCGGAGCCTCCCGCACCCCCGCCTCCCTGCCTCGGTCTGCGCATCC-3'